The following is an entry in ClinVar:

ClinVar aggregate classification (germline): Uncertain significance (1 of 4 stars; one submission).

Conditions:
Multiple congenital exostosis (EXT). Also called: Hereditary multiple osteochondromas; MULTIPLE CARTILAGINOUS EXOSTOSES; Hereditary multiple exostoses; Hereditary multiple exostosis; Multiple osteochondromas; Multiple exostoses. Identifiers: Orphanet 321, MedGen C0015306, MONDO:0005508, HP:0002762.

Submission:

Labcorp Genetics (formerly Invitae), Labcorp
Classification: Uncertain significance for Multiple congenital exostosis. Last evaluated: 2025-06-17. Review status: criteria provided, single submitter. Criteria: Invitae Variant Classification Sherloc (09022015). Collection method: clinical testing. Allele origin: germline.
Comment: This sequence change replaces arginine, which is basic and polar, with histidine, which is basic and polar, at codon 528 of the EXT1 protein (p.Arg528His). This variant is present in population databases (rs751404551, gnomAD 0.01%). This variant has not been reported in the literature in individuals affected with EXT1-related conditions. Invitae Evidence Modeling of protein sequence and biophysical properties (such as structural, functional, and spatial information, amino acid conservation, physicochemical variation, residue mobility, and thermodynamic stability) indicates that this missense variant is not expected to disrupt EXT1 protein function with a negative predictive value of 80%. In summary, the available evidence is currently insufficient to determine the role of this variant in disease. Therefore, it has been classified as a Variant of Uncertain Significance.

NM_000127.3(EXT1):c.1583G>A (p.Arg528His)

Gene: EXT1 (exostosin glycosyltransferase 1; minus strand). Cytogenetic location: 8q24.11.
Variant type: single nucleotide variant.
Coding change: c.1583G>A on transcript NM_000127.3 (MANE Select); coding-DNA position 1583, G replaced by A.
Protein change: p.Arg528His; replaces arginine 528 with histidine.
Molecular consequence: missense variant.
Genome position (GRCh38, 1-based): chr8:117,818,484, C>T on the plus strand (G>A on the coding strand, the complement: EXT1 is on the minus strand). VCF-style: chr8-117818484-C-T. GRCh37 (hg19) VCF-style: chr8-118830723-C-T.
Other names: short protein forms R528H.
Identifiers: ClinVar variation 4737136 (VCV004737136.1).